The following is an entry in ClinVar:

NM_001375567.1(FOCAD):c.3765A>G (p.Leu1255=)

Gene: FOCAD (focadhesin; plus strand). Cytogenetic location: 9p21.3.
Variant type: single nucleotide variant.
Coding change: c.3765A>G on transcript NM_001375567.1 (MANE Select); coding-DNA position 3765, A replaced by G.
Protein change: p.Leu1255=; no amino-acid change (leucine 1255 retained).
Molecular consequence: synonymous variant.
Genome position (GRCh38, 1-based): chr9:20,948,360, A>G. VCF-style: chr9-20948360-A-G. GRCh37 (hg19) VCF-style: chr9-20948359-A-G.
Other names: c.3660A>G, p.Leu1220= (NM_001375568.1, NM_001375570.1); c.3765A>G, p.Leu1255= (NM_017794.5); c.3765A>G (NM_017794.4).
Identifiers: ClinVar variation 2768156 (VCV002768156.4), dbSNP rs374581816, ClinGen allele CA5007680.

ClinVar aggregate classification (germline): Uncertain significance. Review status: criteria provided, single submitter (1 of 4 stars). 2 submissions from 2 submitters: Uncertain significance (1). 1 of the submissions does not count toward it. Last evaluated 2025-03-27.

Conditions:
FOCAD-related disorder. Also called: FOCAD-related condition.

Allele frequency attached by ClinVar (database versions not stated): TOPMed 0.00014; ESP Exome Variant Server 0.00015; gnomAD 0.00013; ExAC 0.00008; gnomAD exomes 0.00010.
gnomAD v4.1: 158 of 1,612,246 alleles (0.0098%); highest among the groups gnomAD compares: Non-Finnish European, 0.013%; no homozygotes.

Submissions (2):

Labcorp Genetics (formerly Invitae), Labcorp
Classification: Uncertain significance. Last evaluated: 2025-03-27. Review status: criteria provided, single submitter. Criteria: Invitae Variant Classification Sherloc (09022015). Collection method: clinical testing. Allele origin: germline.
Comment: This sequence change affects codon 1255 of the FOCAD mRNA. It is a 'silent' change, meaning that it does not change the encoded amino acid sequence of the FOCAD protein. This variant is present in population databases (rs374581816, gnomAD 0.02%). This variant has not been reported in the literature in individuals affected with FOCAD-related conditions. ClinVar contains an entry for this variant (Variation ID: 2768156). In summary, the available evidence is currently insufficient to determine the role of this variant in disease. Therefore, it has been classified as a Variant of Uncertain Significance.

PreventionGenetics, part of Exact Sciences
Classification: Likely benign for FOCAD-related condition. Last evaluated: 2024-08-12. Review status: no assertion criteria provided. Collection method: clinical testing. Allele origin: germline. Not counted in ClinVar's aggregate classification.
Comment: This variant is classified as likely benign based on ACMG/AMP sequence variant interpretation guidelines (Richards et al. 2015 PMID: 25741868, with internal and published modifications).